The following is an entry in ClinVar:

NM_019066.5(MAGEL2):c.1958C>T (p.Pro653Leu)

Gene: MAGEL2 (MAGE family member L2; minus strand). Cytogenetic location: 15q11.2.
Variant type: single nucleotide variant.
Coding change: c.1958C>T on transcript NM_019066.5 (MANE Select); coding-DNA position 1958, C replaced by T.
Protein change: p.Pro653Leu; replaces proline 653 with leucine.
Molecular consequence: missense variant.
Genome position (GRCh38, 1-based): chr15:23,645,785, G>A on the plus strand (C>T on the coding strand, the complement: MAGEL2 is on the minus strand). VCF-style: chr15-23645785-G-A. GRCh37 (hg19) VCF-style: chr15-23890932-G-A.
Other names: c.1958C>T (NM_019066.4); short protein forms P653L.
Identifiers: ClinVar variation 2089148 (VCV002089148.7), dbSNP rs1265877569, ClinGen allele CA391332964.

ClinVar aggregate classification (germline): Uncertain significance. Review status: criteria provided, multiple submitters, no conflicts (2 of 4 stars). 3 submissions from 3 submitters: Uncertain significance (3). Last evaluated 2026-04-22.

Conditions:
MAGEL2-related disorder. Also called: MAGEL2-related condition.

Allele frequency attached by ClinVar (database versions not stated): gnomAD exomes below 0.00001.
gnomAD v4.1: 2 of 1,589,178 alleles (0.00013%); highest among the groups gnomAD compares: Non-Finnish European, 0.00017%; no homozygotes.

Submissions (3):

PreventionGenetics, part of Exact Sciences
Classification: Uncertain significance for MAGEL2-related condition. Last evaluated: 2026-04-22. Review status: criteria provided, single submitter. Criteria: ACMG Guidelines, 2015. Collection method: clinical testing. Allele origin: germline.
Comment: The MAGEL2 c.1958C>T variant is predicted to result in the amino acid substitution p.Pro653Leu. To our knowledge, this variant has not been reported in the literature. This variant is reported in 0.0011% of alleles in individuals of European (Non-Finnish) descent in gnomAD. At this time, the clinical significance of this variant is uncertain due to the absence of conclusive functional and genetic evidence.

Labcorp Genetics (formerly Invitae), Labcorp
Classification: Uncertain significance. Last evaluated: 2025-05-14. Review status: criteria provided, single submitter. Criteria: Invitae Variant Classification Sherloc (09022015). Collection method: clinical testing. Allele origin: germline.
Comment: This sequence change replaces proline, which is neutral and non-polar, with leucine, which is neutral and non-polar, at codon 653 of the MAGEL2 protein (p.Pro653Leu). The frequency data for this variant in the population databases is considered unreliable, as metrics indicate poor data quality at this position in the gnomAD database. This variant has not been reported in the literature in individuals affected with MAGEL2-related conditions. ClinVar contains an entry for this variant (Variation ID: 2089148). Invitae Evidence Modeling of protein sequence and biophysical properties (such as structural, functional, and spatial information, amino acid conservation, physicochemical variation, residue mobility, and thermodynamic stability) indicates that this missense variant is not expected to disrupt MAGEL2 protein function with a negative predictive value of 80%. In summary, the available evidence is currently insufficient to determine the role of this variant in disease. Therefore, it has been classified as a Variant of Uncertain Significance.

Greenwood Genetic Center Diagnostic Laboratories, Greenwood Genetic Center
Classification: Uncertain significance. Last evaluated: 2024-06-03. Review status: criteria provided, single submitter. Criteria: ACMG Guidelines, 2015. Collection method: clinical testing. Allele origin: germline. Affected: yes.
Comment: PM2